The following is an entry in ClinVar:

ClinVar aggregate classification (germline): Uncertain significance (1 of 4 stars; one submission).

Conditions:
Early Myoclonic Encephalopathy. Identifiers: MedGen C0270855.

gnomAD v4.1: 2 of 1,614,022 alleles (0.00012%); highest among the groups gnomAD compares: Non-Finnish European, 0.00017%; no homozygotes.

Submission:

Labcorp Genetics (formerly Invitae), Labcorp
Classification: Uncertain significance for Early Myoclonic Encephalopathy. Last evaluated: 2023-12-27. Review status: criteria provided, single submitter. Criteria: Invitae Variant Classification Sherloc (09022015). Collection method: clinical testing. Allele origin: germline.
Comment: This sequence change replaces proline, which is neutral and non-polar, with leucine, which is neutral and non-polar, at codon 602 of the JMJD1C protein (p.Pro602Leu). This variant is not present in population databases (gnomAD no frequency). This variant has not been reported in the literature in individuals affected with JMJD1C-related conditions. Advanced modeling of protein sequence and biophysical properties (such as structural, functional, and spatial information, amino acid conservation, physicochemical variation, residue mobility, and thermodynamic stability) performed at Invitae indicates that this missense variant is not expected to disrupt JMJD1C protein function with a negative predictive value of 80%. In summary, the available evidence is currently insufficient to determine the role of this variant in disease. Therefore, it has been classified as a Variant of Uncertain Significance.

NM_032776.3(JMJD1C):c.1805C>T (p.Pro602Leu)

Gene: JMJD1C (jumonji domain containing 1C; minus strand). Cytogenetic location: 10q21.3.
Variant type: single nucleotide variant.
Coding change: c.1805C>T on transcript NM_032776.3 (MANE Select); coding-DNA position 1805, C replaced by T.
Protein change: p.Pro602Leu; replaces proline 602 with leucine.
Molecular consequence: missense variant. On other transcripts: non-coding transcript variant (1).
Genome position (GRCh38, 1-based): chr10:63,214,362, G>A on the plus strand (C>T on the coding strand, the complement: JMJD1C is on the minus strand). VCF-style: chr10-63214362-G-A. GRCh37 (hg19) VCF-style: chr10-64974122-G-A.
Other names: c.941C>T, p.Pro314Leu (NM_001318153.2); c.1259C>T, p.Pro420Leu (NM_001318154.2, NM_001282948.2); c.1691C>T, p.Pro564Leu (NM_001322252.2); c.1148C>T, p.Pro383Leu (NM_001322254.2, NM_001322258.2); short protein forms P314L, P383L, P602L, P420L, P564L.
Identifiers: ClinVar variation 2728961 (VCV002728961.3), dbSNP rs770246036, ClinGen allele CA377047631.